The following is an entry in ClinVar:

NM_000548.5(TSC2):c.2818C>A (p.Leu940Ile)

Gene: TSC2 (TSC complex subunit 2; plus strand). Cytogenetic location: 16p13.3.
Variant type: single nucleotide variant.
Coding change: c.2818C>A on transcript NM_000548.5 (MANE Select); coding-DNA position 2818, C replaced by A.
Protein change: p.Leu940Ile; replaces leucine 940 with isoleucine.
Molecular consequence: missense variant.
Genome position (GRCh38, 1-based): chr16:2,076,566, C>A. VCF-style: chr16-2076566-C-A. GRCh37 (hg19) VCF-style: chr16-2126567-C-A.
Other names: c.2818C>A, p.Leu940Ile (NM_001077183.3, NM_001114382.3, NM_001363528.2 and 6 more transcripts); c.2707C>A, p.Leu903Ile (NM_001318827.2, NM_001406670.1, NM_001406678.1); c.2671C>A, p.Leu891Ile (NM_001318829.2, NM_001406675.1, NM_001406676.1 and 1 more transcripts); c.2218C>A, p.Leu740Ile (NM_001318831.2, NM_001406680.1, NM_001406682.1 and 6 more transcripts); c.2851C>A, p.Leu951Ile (NM_001318832.2); c.2908C>A, p.Leu970Ile (NM_001406667.1, NM_001406668.1); c.2806C>A, p.Leu936Ile (NM_001406671.1, NM_001406673.1); c.2761C>A, p.Leu921Ile (NM_001406677.1); and 3 more; short protein forms L891I, L921I, L940I, L786I, L936I, L406I, L740I, L970I.
Identifiers: ClinVar variation 1796392 (VCV001796392.2), dbSNP rs1378325757, ClinGen allele CA394280193.
Genomic context (GRCh38, chr16:2,076,566, plus strand): 5'-GTCCTCTTGTCTTTTGATGACACCCCCGAGAAGGACAGCTTCAGGGCCCGGAGTACTAGT[C>A]TCAACGAGAGACCCAAGAGGTACGGCCTGCGGGGGTGTGCCTGGAGTCGGTGTGGGGTGG-3'
Protein context (NP_000539.2, residues 930-950): KDSFRARSTS[Leu940Ile]NERPKSLRIA

ClinVar aggregate classification (germline): Uncertain significance (1 of 4 stars; one submission).

Conditions:
Hereditary cancer-predisposing syndrome. Also called: Tumor predisposition; Hereditary Cancer Syndrome; Neoplastic Syndromes, Hereditary; Hereditary neoplastic syndrome. Identifiers: Orphanet 140162, MedGen C0027672, MeSH D009386, MONDO:0015356.

Submission:

Ambry Genetics
Classification: Uncertain significance for Hereditary cancer-predisposing syndrome. Last evaluated: 2022-04-05. Review status: criteria provided, single submitter. Criteria: Ambry Variant Classification Scheme 2023. Collection method: clinical testing. Allele origin: germline.
Comment: The p.L940I variant (also known as c.2818C>A), located in coding exon 24 of the TSC2 gene, results from a C to A substitution at nucleotide position 2818. The leucine at codon 940 is replaced by isoleucine, an amino acid with highly similar properties. This amino acid position is conserved. In addition, the in silico prediction for this alteration is inconclusive. Since supporting evidence is limited at this time, the clinical significance of this alteration remains unclear.